The following is an entry in ClinVar:

NM_002103.5(GYS1):c.1422+1G>A

Gene: GYS1 (glycogen synthase 1; minus strand). Cytogenetic location: 19q13.33.
Variant type: single nucleotide variant.
Coding change: c.1422+1G>A on transcript NM_002103.5 (MANE Select); the canonical splice donor site of the intron after coding-DNA position 1422, G replaced by A.
Molecular consequence: splice donor variant.
Genome position (GRCh38, 1-based): chr19:48,974,619, C>T on the plus strand (G>A on the coding strand, the complement: GYS1 is on the minus strand). VCF-style: chr19-48974619-C-T. GRCh37 (hg19) VCF-style: chr19-49477876-C-T.
Other names: c.1230+1G>A (NM_001161587.2).
Identifiers: ClinVar variation 3676342 (VCV003676342.2).
Genomic context (GRCh38, chr19:48,974,619, plus strand): 5'-GCCCAGGACCCAACCCCTTCCCTCTGCCGTGCCCAACCCAGCCCTGACCAAATGCCCTCA[C>T]CTTCACCCTGTCGGCACTGCTATTGAAGAGGCCGATTCGGCGGATGGTGGTCAGGATGGG-3'

ClinVar aggregate classification (germline): Likely pathogenic (1 of 4 stars; one submission).

Conditions:
Glycogen storage disease due to muscle and heart glycogen synthase deficiency. Also called: GSD 0b; MUSCLE GLYCOGEN SYNTHASE DEFICIENCY. Identifiers: Orphanet 137625, MedGen C1969054, MONDO:0012693, OMIM 611556.

Submission:

Labcorp Genetics (formerly Invitae), Labcorp
Classification: Likely pathogenic for Glycogen storage disease due to muscle and heart glycogen synthase deficiency. Last evaluated: 2024-09-03. Review status: criteria provided, single submitter. Criteria: Invitae Variant Classification Sherloc (09022015). Collection method: clinical testing. Allele origin: germline.
Comment: This sequence change affects a donor splice site in intron 11 of the GYS1 gene. It is expected to disrupt RNA splicing. Variants that disrupt the donor or acceptor splice site typically lead to a loss of protein function (PMID: 16199547), and loss-of-function variants in GYS1 are known to be pathogenic (PMID: 17928598, 19699667). This variant is not present in population databases (gnomAD no frequency). This variant has not been reported in the literature in individuals affected with GYS1-related conditions. Algorithms developed to predict the effect of sequence changes on RNA splicing suggest that this variant may disrupt the consensus splice site. In summary, the currently available evidence indicates that the variant is pathogenic, but additional data are needed to prove that conclusively. Therefore, this variant has been classified as Likely Pathogenic.

Literature cited by the submitters: PubMed 16199547; PubMed 17928598; PubMed 19699667.